The following is an entry in ClinVar:

ClinVar aggregate classification (germline): Pathogenic (1 of 4 stars; one submission).

Conditions:
Familial adenomatous polyposis 1 (FAP1). Also called: POLYPOSIS, ADENOMATOUS INTESTINAL; FAMILIAL ADENOMATOUS POLYPOSIS 1, ATTENUATED. Identifiers: MedGen C2713442, MONDO:0021056, OMIM 175100. Disease mechanism: loss of function.

Submission:

Labcorp Genetics (formerly Invitae), Labcorp
Classification: Pathogenic for Familial adenomatous polyposis 1. Last evaluated: 2025-08-13. Review status: criteria provided, single submitter. Criteria: Invitae Variant Classification Sherloc (09022015). Collection method: clinical testing. Allele origin: germline.
Comment: This sequence change falls in intron 11 of the APC gene. It does not directly change the encoded amino acid sequence of the APC protein. RNA analysis indicates that this variant induces altered splicing and may result in an absent or altered protein product. This variant is not present in population databases (gnomAD no frequency). This variant has been observed in individual(s) with clinical features of familial adenomatous polyposis (PMID: 27683109). ClinVar contains an entry for this variant (Variation ID: 3677038). Studies have shown that this variant results in activation of a cryptic splice site, and produces a non-functional protein and/or introduces a premature termination codon (PMID: 27683109; internal data). For these reasons, this variant has been classified as Pathogenic.

Literature cited by the submitters: PubMed 27683109.

NM_000038.6(APC):c.1408+729A>G

Gene: APC (APC regulator of Wnt signaling pathway; plus strand). Cytogenetic location: 5q22.2.
Variant type: single nucleotide variant.
Coding change: c.1408+729A>G on transcript NM_000038.6 (MANE Select); 729 bases into the intron after coding-DNA position 1408, A replaced by G.
Molecular consequence: intron variant.
Genome position (GRCh38, 1-based): chr5:112,822,720, A>G. VCF-style: chr5-112822720-A-G. GRCh37 (hg19) VCF-style: chr5-112158417-A-G.
Other names: c.559+729A>G (NM_001407470.1, NM_001354906.2); c.256+729A>G (NM_001407472.1, NM_001407471.1); c.1409-587A>G (NM_001407447.1, NM_001407448.1, NM_001407449.1 and 1 more transcripts); c.1408+729A>G (NM_001354895.2, NM_001407450.1, NM_001127510.3); c.1106-587A>G (NM_001407456.1, NM_001407457.1, NM_001407455.1 and 1 more transcripts); c.1105+729A>G (NM_001407460.1, NM_001407458.1, NM_001407459.1 and 1 more transcripts); c.1325-587A>G (NM_001407452.1); c.1021+729A>G (NM_001407469.1, NM_001407467.1); and 11 more.
Identifiers: ClinVar variation 3677038 (VCV003677038.2).
Genomic context (GRCh38, chr5:112,822,720, plus strand): 5'-TTATAAATTGCATCATGCTGAACCATCTCATGTGAACTGGATCTCTCTAGTCATGCCACA[A>G]GCAAGAACCATACGCTTAATTCCCATTTTAGTGTAATTGTGCCCTTGCTTTTTGTGCCGT-3'